The following is an entry in ClinVar:

ClinVar aggregate classification (germline): Uncertain significance (1 of 4 stars; one submission).

Conditions:
Fanconi anemia (FA). Also called: Fanconi's anemia. Identifiers: Orphanet 84, MedGen C0015625, MeSH D005199, MONDO:0019391.

Submission:

Labcorp Genetics (formerly Invitae), Labcorp
Classification: Uncertain significance for Fanconi anemia. Last evaluated: 2022-07-25. Review status: criteria provided, single submitter. Criteria: Invitae Variant Classification Sherloc (09022015). Collection method: clinical testing. Allele origin: germline.
Comment: In summary, the available evidence is currently insufficient to determine the role of this variant in disease. Therefore, it has been classified as a Variant of Uncertain Significance. Experimental studies and prediction algorithms are not available or were not evaluated, and the functional significance of this variant is currently unknown. ClinVar contains an entry for this variant (Variation ID: 1473538). This variant has not been reported in the literature in individuals affected with FANCI-related conditions. This variant is not present in population databases (gnomAD no frequency). This variant, c.191_199del, results in the deletion of 3 amino acid(s) of the FANCI protein (p.Arg64_Arg66del), but otherwise preserves the integrity of the reading frame.

NM_001113378.2(FANCI):c.191_199del (p.Arg64_Arg66del)

Gene: FANCI (FA complementation group I; plus strand). Cytogenetic location: 15q26.1.
Variant type: Deletion.
Coding change: c.191_199del on transcript NM_001113378.2 (MANE Select); coding-DNA positions 191 to 199, 9 bases deleted (GGAGACGTA; older notation c.191_199delGGAGACGTA).
Protein change: p.Arg64_Arg66del.
Molecular consequence: inframe deletion. On other transcripts: 5 prime UTR variant (1).
Genome position (GRCh38, 1-based): chr15:89,260,746-89,260,754, GGAGACGTA deleted; deleting any 9 consecutive bases within chr15:89,260,744-89,260,754 gives the same sequence; the c. name uses the placement nearest the transcript's 3' end. VCF-style (leftmost placement, unchanged base first): chr15-89260743-TTAGGAGACG-T. GRCh37 (hg19) VCF-style: chr15-89803974-TTAGGAGACG-T.
Other names: c.-89_-81del (NM_001376910.1); c.191_199del, p.Arg64_Arg66del (NM_001376911.1, NM_018193.3).
Identifiers: ClinVar variation 1473538 (VCV001473538.8), dbSNP rs2151252928, ClinGen allele CA2573151340.
Genomic context (GRCh38, chr15:89,260,743, plus strand): 5'-GTTTCTGAACCCCCTGTTTAAAACAATAAGGTTCCCCCTGCTCTGAGGAAGCTGGAACAC[TTAGGAGACG>T]TAAGATATACACTTGTTGTATCCAGTTGGTGGAATCGGGGGATTTGCAGAAAGAAATAGC-3'